The following is an entry in ClinVar:

NM_001303256.3(MORC2):c.1872C>T (p.Asn624=)

Gene: MORC2 (MORC family CW-type zinc finger 2; minus strand). Cytogenetic location: 22q12.2.
Variant type: single nucleotide variant.
Coding change: c.1872C>T on transcript NM_001303256.3 (MANE Select); coding-DNA position 1872, C replaced by T.
Protein change: p.Asn624=; no amino-acid change (asparagine 624 retained).
Molecular consequence: synonymous variant.
Genome position (GRCh38, 1-based): chr22:30,935,102, G>A on the plus strand (C>T on the coding strand, the complement: MORC2 is on the minus strand). VCF-style: chr22-30935102-G-A. GRCh37 (hg19) VCF-style: chr22-31331089-G-A.
Other names: c.1872C>T, p.Asn624= (NM_001303257.2); c.1686C>T, p.Asn562= (NM_014941.3); c.1872C>T (NM_001303256.2).
Identifiers: ClinVar variation 1511960 (VCV001511960.10), dbSNP rs199783160, ClinGen allele CA323271488.

ClinVar aggregate classification (germline): Likely benign. Review status: criteria provided, multiple submitters, no conflicts (2 of 4 stars). 3 submissions from 3 submitters: Likely benign (3). Last evaluated 2026-09-25.

Conditions:
MORC2-related disorder. Also called: MORC2-related condition.
Charcot-Marie-Tooth disease axonal type 2Z. Also called: CHARCOT-MARIE-TOOTH DISEASE, AXONAL, AUTOSOMAL DOMINANT, TYPE 2Z; CHARCOT-MARIE-TOOTH NEUROPATHY, TYPE 2Z. Identifiers: Orphanet 466768, MedGen C5569025, MONDO:0014736, OMIM 616688.

Allele frequency attached by ClinVar (database versions not stated): gnomAD 0.00001; gnomAD exomes 0.00001; TOPMed 0.00001.
gnomAD v4.1: 15 of 1,613,712 alleles (0.00093%); highest among the groups gnomAD compares: East Asian, 0.0045%; no homozygotes.

Submissions (3):

PreventionGenetics, part of Exact Sciences
Classification: Likely benign for MORC2-related condition. Last evaluated: 2026-09-25. Review status: criteria provided, single submitter. Criteria: ACMG Guidelines, 2015. Collection method: clinical testing. Allele origin: germline.
Comment: This variant is classified as likely benign based on ACMG/AMP sequence variant interpretation guidelines (Richards et al. 2015 PMID: 25741868, with internal and published modifications).

Labcorp Genetics (formerly Invitae), Labcorp
Classification: Likely benign for Charcot-Marie-Tooth disease axonal type 2Z. Last evaluated: 2025-05-23. Review status: criteria provided, single submitter. Criteria: Invitae Variant Classification Sherloc (09022015). Collection method: clinical testing. Allele origin: germline.

Blueprint Genetics
Classification: Likely benign. Last evaluated: 2022-09-27. Review status: criteria provided, single submitter. Criteria: ACMG Guidelines, 2015. Collection method: clinical testing. Allele origin: germline.